The following is an entry in ClinVar:

ClinVar aggregate classification (germline): Uncertain significance. Review status: criteria provided, multiple submitters, no conflicts (2 of 4 stars). 11 submissions from 11 submitters: Uncertain significance (11). Last evaluated 2026-06-13.

Conditions:
PMS2-related disorder. Also called: PMS2-related condition.
Hereditary nonpolyposis colorectal neoplasms. Identifiers: MedGen C0009405, MeSH D003123.
Hereditary cancer-predisposing syndrome. Also called: Hereditary Cancer Syndrome; Tumor predisposition; Hereditary neoplastic syndrome; Neoplastic Syndromes, Hereditary. Identifiers: Orphanet 140162, MedGen C0027672, MeSH D009386, MONDO:0015356.
Mismatch repair cancer syndrome 1 (MMRCS1). Also called: BRAIN TUMOR-POLYPOSIS SYNDROME 1; BTP1 SYNDROME; CHILDHOOD CANCER SYNDROME; MISMATCH REPAIR DEFICIENCY; MMR DEFICIENCY. Identifiers: Orphanet 252202, MedGen C5399763, MONDO:0010159, OMIM 276300. Disease mechanism: loss of function.
Lynch syndrome 4 (LYNCH4). Also called: Colorectal cancer, hereditary nonpolyposis, type 4; Hereditary non-polyposis colorectal cancer, type 4. Identifiers: Orphanet 144, MedGen C1838333, MONDO:0013699, OMIM 614337. Disease mechanism: loss of function.
Lynch syndrome. Identifiers: Orphanet 144, MedGen C4552100, MONDO:0005835. Disease mechanism: loss of function.

Allele frequency attached by ClinVar (database versions not stated): gnomAD exomes below 0.00001; ExAC 0.00001; TOPMed 0.00005; ESP Exome Variant Server 0.00008.

Submissions (11):

Women's Health and Genetics/Laboratory Corporation of America, LabCorp
Classification: Uncertain significance. Last evaluated: 2026-06-13. Review status: criteria provided, single submitter. Criteria: LabCorp Variant Classification Summary - May 2015. Collection method: clinical testing. Allele origin: germline.

Labcorp Genetics (formerly Invitae), Labcorp
Classification: Uncertain significance for Hereditary nonpolyposis colorectal neoplasms. Last evaluated: 2026-01-05. Review status: criteria provided, single submitter. Criteria: Invitae Variant Classification Sherloc (09022015). Collection method: clinical testing. Allele origin: germline.
Comment: This sequence change replaces glutamine, which is neutral and polar, with lysine, which is basic and polar, at codon 317 of the PMS2 protein (p.Gln317Lys). This variant is present in population databases (rs143277125, gnomAD 0.007%). This missense change has been observed in individual(s) with advanced cancer of an unspecified type (PMID: 28873162). ClinVar contains an entry for this variant (Variation ID: 418758). Invitae Evidence Modeling incorporating data from in vitro experimental studies (internal data) indicates that this missense variant is not expected to disrupt PMS2 function with a negative predictive value of 95%. In summary, the available evidence is currently insufficient to determine the role of this variant in disease. Therefore, it has been classified as a Variant of Uncertain Significance.

Color Diagnostics, LLC DBA Color Health
Classification: Uncertain significance for Hereditary cancer-predisposing syndrome. Last evaluated: 2025-09-23. Review status: criteria provided, single submitter. Criteria: ACMG Guidelines, 2015. Collection method: clinical testing. Allele origin: germline.
Comment: This missense variant replaces glutamine with lysine at codon 317 of the PMS2 protein. Computational prediction is inconclusive regarding the impact of this variant on protein structure and function. To our knowledge, functional studies have not been reported for this variant. This variant has not been reported in individuals affected with PMS2-related disorders in the literature. This variant has been identified in 1/251288 chromosomes in the general population by the Genome Aggregation Database (gnomAD). The available evidence is insufficient to determine the role of this variant in disease conclusively. Therefore, this variant is classified as a Variant of Uncertain Significance.

Ambry Genetics
Classification: Uncertain significance for Hereditary cancer-predisposing syndrome. Last evaluated: 2025-08-25. Review status: criteria provided, single submitter. Criteria: Ambry Variant Classification Scheme 2023. Collection method: clinical testing. Allele origin: germline.
Comment: The p.Q317K variant (also known as c.949C>A), located in coding exon 9 of the PMS2 gene, results from a C to A substitution at nucleotide position 949. The glutamine at codon 317 is replaced by lysine, an amino acid with similar properties. This amino acid position is highly conserved in available vertebrate species. In addition, this alteration is predicted to be deleterious by in silico analysis. Based on the available evidence, the clinical significance of this variant remains unclear.

PreventionGenetics, part of Exact Sciences
Classification: Uncertain significance for PMS2-related condition. Last evaluated: 2025-02-13. Review status: criteria provided, single submitter. Criteria: ACMG Guidelines, 2015. Collection method: clinical testing. Allele origin: germline.
Comment: The PMS2 c.949C>A variant is predicted to result in the amino acid substitution p.Gln317Lys. This variant has been reported in the literature in an individual with an unspecified type of advanced cancer (Mandelker et al. 2017. PubMed ID: 28873162). This variant is reported in 0.0062% of alleles in individuals of African descent in gnomAD. This variant is interpreted as uncertain in ClinVar. At this time, the clinical significance of this variant is uncertain due to the absence of conclusive functional and genetic evidence.

All of Us Research Program, National Institutes of Health
Classification: Uncertain significance for Lynch syndrome. Last evaluated: 2024-01-11. Review status: criteria provided, single submitter. Criteria: ACMG Guidelines, 2015. Collection method: clinical testing. Allele origin: germline. Inheritance: Autosomal dominant inheritance. Observed: 3 variant alleles, 3 heterozygotes.
Comment: This missense variant replaces glutamine with lysine at codon 317 of the PMS2 protein. Computational prediction is inconclusive regarding the impact of this variant on protein structure and function (internally defined REVEL score threshold 0.5 < inconclusive < 0.7, PMID: 27666373). To our knowledge, functional studies have not been reported for this variant. This variant has been reported in an individual affected with an unspecified advanced cancer (PMID: 28873162). This variant has been identified in 1/251288 chromosomes in the general population by the Genome Aggregation Database (gnomAD). The available evidence is insufficient to determine the role of this variant in disease conclusively. Therefore, this variant is classified as a Variant of Uncertain Significance.

This study involves interpretation of variants in research participants for the purpose of population health screening. Participant phenotype was not available at the time of variant classification. Additional details can be found in publication PMID: 35346344, PMCID: PMC8962531

Baylor Genetics
Classification: Uncertain significance for Lynch syndrome 4. Last evaluated: 2023-09-18. Review status: criteria provided, single submitter. Criteria: ACMG Guidelines, 2015. Collection method: clinical testing. Allele origin: unknown.

Sema4
Classification: Uncertain significance for Hereditary cancer-predisposing syndrome. Last evaluated: 2021-12-10. Review status: criteria provided, single submitter. Criteria: Sema4 Curation Guidelines. Collection method: curation. Allele origin: germline.
Comment: The PMS2 c.949C>A (p.Q317K) variant has been reported in heterozygosity in at least 1 individual with advanced cancer (PMID: 28873162). This variant was observed in 1/16256 chromosomes in the African/African American population, according to the Genome Aggregation Database (PMID: 32461654). This variant has been reported in ClinVar (Variation ID: 418758). Functional studies have not been performed, and in silico predictions of the variant's effect on protein function are inconclusive. The evidence is insufficient to meet ACMG/AMP criteria for classifying the variant as benign or pathogenic. Thus, the clinical significance of this variant is currently uncertain.

Quest Diagnostics Nichols Institute San Juan Capistrano
Classification: Uncertain significance. Last evaluated: 2019-01-09. Review status: criteria provided, single submitter. Criteria: Quest Diagnostics criteria. Collection method: clinical testing. Allele origin: germline.

Fulgent Genetics
Classification: Uncertain significance for Mismatch repair cancer syndrome 1; Lynch syndrome 4. Last evaluated: 2018-10-31. Review status: criteria provided, single submitter. Criteria: ACMG Guidelines, 2015. Collection method: clinical testing. Allele origin: unknown.

GeneDx
Classification: Uncertain significance. Last evaluated: 2018-03-08. Review status: criteria provided, single submitter. Criteria: GeneDx Variant Classification (06012015). Collection method: clinical testing. Allele origin: germline. Affected: yes.
Comment: This variant is denoted PMS2 c.949C>A at the cDNA level, p.Gln317Lys (Q317K) at the protein level, and results in the change of a Glutamine to a Lysine (CAG>AAG). This variant has not, to our knowledge, been published in the literature as pathogenic or benign. PMS2 Gln317Lys was not observed at a significant allele frequency in large population cohorts (Lek 2016). PMS2 Gln317Lys is located within the ATPase domain (Guarne 2001). In-silico analysis, which includes protein predictors and evolutionary conservation, supports a deleterious effect. Based on currently available evidence, it is unclear whether PMS2 Gln317Lys is a pathogenic or benign variant. We consider it to be a variant of uncertain significance.

Literature cited by the submitters: PubMed 28873162 (cited by 3 submitters).

NM_000535.7(PMS2):c.949C>A (p.Gln317Lys)

Gene: PMS2 (PMS1 homolog 2, mismatch repair system component; minus strand). Cytogenetic location: 7p22.1.
Variant type: single nucleotide variant.
Coding change: c.949C>A on transcript NM_000535.7 (MANE Select); coding-DNA position 949, C replaced by A.
Protein change: p.Gln317Lys; replaces glutamine 317 with lysine.
Molecular consequence: missense variant. On other transcripts: non-coding transcript variant (1).
Genome position (GRCh38, 1-based): chr7:5,992,012, G>T on the plus strand (C>A on the coding strand, the complement: PMS2 is on the minus strand). VCF-style: chr7-5992012-G-T. GRCh37 (hg19) VCF-style: chr7-6031643-G-T.
Other names: c.631C>A, p.Gln211Lys (NM_001322008.2, NM_001322007.2); c.544C>A, p.Gln182Lys (NM_001322009.2, NM_001322010.2, NM_001322003.2 and 2 more transcripts); c.16C>A, p.Gln6Lys (NM_001322011.2, NM_001322012.2); c.376C>A, p.Gln126Lys (NM_001322013.2); c.949C>A, p.Gln317Lys (NM_001322014.2, NM_001322006.2); c.640C>A, p.Gln214Lys (NM_001322015.2); short protein forms Q317K, Q182K, Q126K, Q214K, Q6K, Q211K.
Identifiers: ClinVar variation 418758 (VCV000418758.28), dbSNP rs143277125, ClinGen allele CA052604.